The following is an entry in ClinVar:

ClinVar aggregate classification (germline): Uncertain significance. Review status: criteria provided, multiple submitters, no conflicts (2 of 4 stars). 2 submissions from 2 submitters: Uncertain significance (2). Last evaluated 2025-04-23.

Conditions:
Charcot-Marie-Tooth disease axonal type 2C (HMSN2C). Also called: Charcot-Marie-Tooth Disease Type 2, TRPV4-Related (CMT2C); CHARCOT-MARIE-TOOTH DISEASE, AXONAL, AUTOSOMAL DOMINANT, TYPE 2C; Charcot-Marie-Tooth Neuropathy Type 2C. Identifiers: Orphanet 99937, MedGen C1853710, MONDO:0011633, OMIM 606071.

Allele frequency attached by ClinVar (database versions not stated): gnomAD exomes below 0.00001 and 0.00001; TOPMed 0.00001.
gnomAD v4.1: 20 of 1,613,704 alleles (0.0012%); highest among the groups gnomAD compares: Non-Finnish European, 0.0016%; no homozygotes.

Submissions (3):

Labcorp Genetics (formerly Invitae), Labcorp
Classification: Uncertain significance for Charcot-Marie-Tooth disease axonal type 2C. Last evaluated: 2025-04-23. Review status: criteria provided, single submitter. Criteria: Invitae Variant Classification Sherloc (09022015). Collection method: clinical testing. Allele origin: germline.
Comment: This sequence change replaces glycine, which is neutral and non-polar, with serine, which is neutral and polar, at codon 627 of the TRPV4 protein (p.Gly627Ser). This variant is present in population databases (no rsID available, gnomAD 0.007%). This variant has not been reported in the literature in individuals affected with TRPV4-related conditions. ClinVar contains an entry for this variant (Variation ID: 994162). Invitae Evidence Modeling of protein sequence and biophysical properties (such as structural, functional, and spatial information, amino acid conservation, physicochemical variation, residue mobility, and thermodynamic stability) has been performed for this missense variant. However, the output from this modeling did not meet the statistical confidence thresholds required to predict the impact of this variant on TRPV4 protein function. In summary, the available evidence is currently insufficient to determine the role of this variant in disease. Therefore, it has been classified as a Variant of Uncertain Significance.

ARUP Laboratories, Molecular Genetics and Genomics, ARUP Laboratories
Classification: Uncertain significance. Last evaluated: 2020-05-15. Review status: criteria provided, single submitter. Criteria: ARUP Molecular Germline Variant Investigation Process. Collection method: clinical testing. Allele origin: germline.
Comment: The TRPV4 c.1879G>A; p.Gly627Ser variant (rs998369017), to our knowledge, is not reported in the medical literature or gene-specific databases. This variant is found on a single chromosome in the Genome Aggregation Database (1/251094 alleles), indicating it is not a common polymorphism. The glycine at codon 627 is highly conserved, and computational analyses (SIFT, PolyPhen-2) predict that this variant is deleterious. However, due to limited information, the clinical significance of the p.Gly627Ser variant is uncertain at this time.

Dr. Peter K. Rogan Lab, Western University
No classification provided (evidence only). Condition: Uterine corpus endometrial carcinoma. Review status: no classification provided. Collection method: in vitro. Allele origin: not applicable. Functional consequence: retained intron. Not counted in ClinVar's aggregate classification.

NM_021625.5(TRPV4):c.1879G>A (p.Gly627Ser)

Gene: TRPV4 (transient receptor potential cation channel subfamily V member 4; minus strand). Cytogenetic location: 12q24.11.
Variant type: single nucleotide variant.
Coding change: c.1879G>A on transcript NM_021625.5 (MANE Select); coding-DNA position 1879, G replaced by A.
Protein change: p.Gly627Ser; replaces glycine 627 with serine.
Molecular consequence: missense variant.
Genome position (GRCh38, 1-based): chr12:109,792,375, C>T on the plus strand (G>A on the coding strand, the complement: TRPV4 is on the minus strand). VCF-style: chr12-109792375-C-T. GRCh37 (hg19) VCF-style: chr12-110230180-C-T.
Other names: c.1738G>A, p.Gly580Ser (NM_001177428.2); c.1777G>A, p.Gly593Ser (NM_001177431.2); c.1558G>A, p.Gly520Ser (NM_001177433.2); c.1699G>A, p.Gly567Ser (NM_147204.3); short protein forms G520S, G567S, G580S, G593S, G627S.
Identifiers: ClinVar variation 994162 (VCV000994162.12), dbSNP rs998369017, ClinGen allele CA243499821.